The following is an entry in ClinVar:

NM_001370259.2(MEN1):c.301_307del (p.Val101fs)

Gene: MEN1 (menin 1; minus strand). Cytogenetic location: 11q13.1.
Variant type: Deletion.
Coding change: c.301_307del on transcript NM_001370259.2 (MANE Select); coding-DNA positions 301 to 307, 7 bases deleted (GTCGACC; older notation c.301_307delGTCGACC).
Protein change: p.Val101fs; shifts the reading frame from valine 101.
Molecular consequence: frameshift variant. On other transcripts: non-coding transcript variant (4).
Genome position (GRCh38, 1-based): chr11:64,809,803-64,809,809, GGTCGAC deleted on the plus strand (GTCGACC on the coding strand, the reverse complement: MEN1 is on the minus strand); deleting any 7 consecutive bases within chr11:64,809,803-64,809,811 gives the same sequence; the c. name uses the placement nearest the transcript's 3' end. VCF-style (leftmost placement, unchanged base first): chr11-64809802-AGGTCGAC-A. GRCh37 (hg19) VCF-style: chr11-64577274-AGGTCGAC-A.
Other names: c.301_307del, p.Val101fs (NM_000244.4, NM_001370251.2, NM_001370260.2 and 20 more transcripts); short protein forms V101fs.
Identifiers: ClinVar variation 4685886 (VCV004685886.1).

ClinVar aggregate classification (germline): Pathogenic (1 of 4 stars; one submission).

Submission:

ARUP Laboratories, Molecular Genetics and Genomics, ARUP Laboratories
Classification: Pathogenic. Last evaluated: 2025-06-13. Review status: criteria provided, single submitter. Criteria: ARUP Molecular Germline Variant Investigation Process 2024. Collection method: clinical testing. Allele origin: germline.
Comment: The MEN1 c.301_307del; p.Val101CysfsTer16 variant, to our knowledge, is not reported in the medical literature or gene specific databases. This variant is also absent from the Genome Aggregation Database (v2.1.1), indicating it is not a common polymorphism. This variant causes a frameshift by deleting seven nucleotides, so it is predicted to result in a truncated protein or mRNA subject to nonsense-mediated decay. Additionally, multiple other truncating variants in the same have been described in individuals with multiple endocrine neoplasia and are considered disease-causing (Klein 2005, Tham 2007). Based on available information, the c.301_307del variant is considered to be pathogenic. References: Klein RD et al. Clinical testing for multiple endocrine neoplasia type 1 in a DNA diagnostic laboratory. Genet Med. 2005 Feb;7(2):131-8. PMID: 15714081. Tham E et al. Clinical testing for mutations in the MEN1 gene in Sweden: a report on 200 unrelated cases. J Clin Endocrinol Metab. 2007 Sep;92(9):3389-95. PMID: 17623761.